The following is an entry in ClinVar:

ClinVar aggregate classification (germline): Pathogenic (1 of 4 stars; one submission).

Conditions:
Hypertrophic cardiomyopathy. Also called: HYPERTROPHIC MYOCARDIOPATHY. Identifiers: Orphanet 217569, MedGen C0007194, MeSH D002312, MONDO:0005045, HP:0001639.

Submission:

Labcorp Genetics (formerly Invitae), Labcorp
Classification: Pathogenic for Hypertrophic cardiomyopathy. Last evaluated: 2025-02-02. Review status: criteria provided, single submitter. Criteria: Invitae Variant Classification Sherloc (09022015). Collection method: clinical testing. Allele origin: germline.
Comment: This sequence change creates a premature translational stop signal (p.Ala31Glyfs*18) in the MYBPC3 gene. It is expected to result in an absent or disrupted protein product. Loss-of-function variants in MYBPC3 are known to be pathogenic (PMID: 19574547). This variant is not present in population databases (gnomAD no frequency). This variant has not been reported in the literature in individuals affected with MYBPC3-related conditions. For these reasons, this variant has been classified as Pathogenic.

Literature cited by the submitters: PubMed 19574547.

NM_000256.3(MYBPC3):c.89dup (p.Ala31fs)

Gene: MYBPC3 (myosin binding protein C3; minus strand). Cytogenetic location: 11p11.2.
Variant type: Duplication.
Coding change: c.89dup on transcript NM_000256.3 (MANE Select); coding-DNA position 89, one base duplicated (A; older notation c.89dupA).
Protein change: p.Ala31fs; shifts the reading frame from alanine 31.
Molecular consequence: frameshift variant.
Genome position (GRCh38, 1-based): chr11:47,351,442, T duplicated on the plus strand (A on the coding strand, the reverse complement: MYBPC3 is on the minus strand). VCF-style (leftmost placement, unchanged base first): chr11-47351441-C-CT. GRCh37 (hg19) VCF-style: chr11-47372992-C-CT.
Other names: short protein forms A31fs.
Identifiers: ClinVar variation 4806331 (VCV004806331.1).